The following is an entry in ClinVar:

ClinVar aggregate classification (germline): Benign (1 of 4 stars; one submission).

Allele frequency attached by ClinVar (database versions not stated): gnomAD 0.36684; TOPMed 0.37095; 1000 Genomes Project 30x 0.44925; 1000 Genomes Project 0.45527.
gnomAD v4.1: 55,760 of 151,810 alleles (37%); highest among the groups gnomAD compares: East Asian, 64%; 10,604 homozygotes.

Submission:

GeneDx
Classification: Benign. Last evaluated: 2018-06-14. Review status: criteria provided, single submitter. Criteria: GeneDx Variant Classification (06012015). Collection method: clinical testing. Allele origin: germline. Affected: yes.
Comment: This variant is considered likely benign or benign based on one or more of the following criteria: it is a conservative change, it occurs at a poorly conserved position in the protein, it is predicted to be benign by multiple in silico algorithms, and/or has population frequency not consistent with disease.

NM_014946.4(SPAST):c.1687+268C>T

Gene: SPAST (spastin; plus strand). Cytogenetic location: 2p22.3.
Variant type: single nucleotide variant.
Coding change: c.1687+268C>T on transcript NM_014946.4 (MANE Select); 268 bases into the intron after coding-DNA position 1687, C replaced by T.
Molecular consequence: intron variant.
Genome position (GRCh38, 1-based): chr2:32,145,275, C>T. VCF-style: chr2-32145275-C-T. GRCh37 (hg19) VCF-style: chr2-32370344-C-T.
Other names: c.1591+268C>T (NM_199436.2); c.1520+1860C>T (NM_001377959.1); c.1684+268C>T (NM_001363823.2); c.1588+268C>T (NM_001363875.2).
Identifiers: ClinVar variation 667494 (VCV000667494.1), dbSNP rs7592356, ClinGen allele CA11214081.